The following is an entry in ClinVar:

ClinVar aggregate classification (germline): Uncertain significance (1 of 4 stars; one submission).

Conditions:
Regional enteritis. Also called: Enteritis, Granulomatous. Identifiers: MedGen C0678202, MeSH D003424.
Blau syndrome (BLAUS). Also called: ARTHROCUTANEOUVEAL GRANULOMATOSIS; GRANULOMATOSIS, FAMILIAL JUVENILE SYSTEMIC; GRANULOMATOSIS, FAMILIAL, BLAU TYPE; GRANULOMATOUS INFLAMMATORY ARTHRITIS, DERMATITIS, AND UVEITIS, FAMILIAL; JABS SYNDROME. Identifiers: Orphanet 90340, MedGen C5201146, MONDO:0008523, OMIM 186580.

Submission:

Labcorp Genetics (formerly Invitae), Labcorp
Classification: Uncertain significance for Regional enteritis; Blau syndrome. Last evaluated: 2023-06-14. Review status: criteria provided, single submitter. Criteria: Invitae Variant Classification Sherloc (09022015). Collection method: clinical testing. Allele origin: germline.
Comment: In summary, the available evidence is currently insufficient to determine the role of this variant in disease. Therefore, it has been classified as a Variant of Uncertain Significance. Advanced modeling of protein sequence and biophysical properties (such as structural, functional, and spatial information, amino acid conservation, physicochemical variation, residue mobility, and thermodynamic stability) performed at Invitae indicates that this missense variant is not expected to disrupt NOD2 protein function. This variant has not been reported in the literature in individuals affected with NOD2-related conditions. This variant is not present in population databases (gnomAD no frequency). This sequence change replaces leucine, which is neutral and non-polar, with phenylalanine, which is neutral and non-polar, at codon 1039 of the NOD2 protein (p.Leu1039Phe).

NM_001370466.1(NOD2):c.3036G>T (p.Leu1012Phe)

Genes: CYLD-AS1 (CYLD antisense RNA 1; minus strand), NOD2 (nucleotide binding oligomerization domain containing 2; plus strand). Cytogenetic location: 16q12.1.
Variant type: single nucleotide variant.
Coding change: c.3036G>T on transcript NM_001370466.1 (MANE Select); coding-DNA position 3036, G replaced by T.
Protein change: p.Leu1012Phe; replaces leucine 1012 with phenylalanine.
Molecular consequence: missense variant. On other transcripts: non-coding transcript variant (1).
Genome position (GRCh38, 1-based): chr16:50,731,813, G>T. VCF-style: chr16-50731813-G-T. GRCh37 (hg19) VCF-style: chr16-50765724-G-T.
Other names: c.3036G>T, p.Leu1012Phe (NM_001293557.2); c.3117G>T, p.Leu1039Phe (NM_022162.3); short protein forms L1039F, L1012F.
Identifiers: ClinVar variation 2948852 (VCV002948852.3), dbSNP rs2506571969, ClinGen allele CA395877147.
Genomic context (GRCh38, chr16:50,731,813, plus strand): 5'-AGGGAACACTTTCTCTCTAGAGGAGGTTGACAAGCTCGGCTGCAGGGACACCAGACTCTT[G>T]CTTTGAAGTCTCCGGGAGGATGTTCGTCTCAGTTTGTTTGTGAGCAGGCTGTGAGTTTGG-3'
Protein context (NP_001357395.1, residues 1002-1013): DKLGCRDTRL[Leu1012Phe]L